The following is an entry in ClinVar:

ClinVar aggregate classification (germline): Conflicting classifications of pathogenicity. Review status: criteria provided, conflicting classifications (1 of 4 stars). 4 submissions from 4 submitters: Uncertain significance (1); Likely benign (3). Last evaluated 2025-10-15.

Conditions:
Inborn genetic diseases. Identifiers: MedGen C0950123, MeSH D030342.
FREM2-related disorder. Also called: FREM2-related condition.
Fraser syndrome 2 (FRASRS2). Identifiers: MedGen C4540036, MONDO:0054738, OMIM 617666.

Allele frequency attached by ClinVar (database versions not stated): gnomAD 0.00001 and 0.00019; TOPMed 0.00002; gnomAD exomes 0.00050; ExAC 0.00056; 1000 Genomes Project 30x 0.00156; 1000 Genomes Project 0.00160.
gnomAD v4.1: 363 of 1,604,146 alleles (0.023%); highest among the groups gnomAD compares: South Asian, 0.38%; 2 homozygotes.

Submissions (4):

Labcorp Genetics (formerly Invitae), Labcorp
Classification: Likely benign. Last evaluated: 2025-10-15. Review status: criteria provided, single submitter. Criteria: Invitae Variant Classification Sherloc (09022015). Collection method: clinical testing. Allele origin: germline.

PreventionGenetics, part of Exact Sciences
Classification: Likely benign for FREM2-related condition. Last evaluated: 2025-07-25. Review status: criteria provided, single submitter. Criteria: ACMG Guidelines, 2015. Collection method: clinical testing. Allele origin: germline.
Comment: This variant is classified as likely benign based on ACMG/AMP sequence variant interpretation guidelines (Richards et al. 2015 PMID: 25741868, with internal and published modifications).

Ambry Genetics
Classification: Uncertain significance for Inborn genetic diseases. Last evaluated: 2023-11-07. Review status: criteria provided, single submitter. Criteria: Ambry Variant Classification Scheme 2023. Collection method: clinical testing. Allele origin: germline.

Illumina Laboratory Services, Illumina
Classification: Likely benign for Fraser syndrome 2. Last evaluated: 2018-01-12. Review status: criteria provided, single submitter. Criteria: ICSL Variant Classification Criteria 13 December 2019. Collection method: clinical testing. Allele origin: germline.
Comment: This variant was observed in the ICSL laboratory as part of a predisposition screen in an ostensibly healthy population. It had not been previously curated by ICSL or reported in the Human Gene Mutation Database (HGMD: prior to June 1st, 2018), and was therefore a candidate for classification through an automated scoring system. Utilizing variant allele frequency, disease prevalence and penetrance estimates, and inheritance mode, an automated score was calculated to assess if this variant is too frequent to cause the disease. Based on the score and internal cut-off values, a variant classified as likely benign is not then subjected to further curation. The score for this variant resulted in a classification of likely benign for this disease.

NM_207361.6(FREM2):c.4990G>A (p.Ala1664Thr)

Gene: FREM2 (FRAS1 related extracellular matrix 2; plus strand). Cytogenetic location: 13q13.3.
Variant type: single nucleotide variant.
Coding change: c.4990G>A on transcript NM_207361.6 (MANE Select); coding-DNA position 4990, G replaced by A.
Protein change: p.Ala1664Thr; replaces alanine 1664 with threonine.
Molecular consequence: missense variant.
Genome position (GRCh38, 1-based): chr13:38,692,334, G>A. VCF-style: chr13-38692334-G-A. GRCh37 (hg19) VCF-style: chr13-39266471-G-A.
Other names: c.4990G>A (NM_207361.5); short protein forms A1664T.
Identifiers: ClinVar variation 311987 (VCV000311987.14), dbSNP rs546732114, ClinGen allele CA6955112.